The following is an entry in ClinVar:

NM_170665.4(ATP2A2):c.371C>T (p.Pro124Leu)

Gene: ATP2A2 (ATPase sarcoplasmic/endoplasmic reticulum Ca2+ transporting 2; plus strand). Cytogenetic location: 12q24.11.
Variant type: single nucleotide variant.
Coding change: c.371C>T on transcript NM_170665.4 (MANE Select); coding-DNA position 371, C replaced by T.
Protein change: p.Pro124Leu; replaces proline 124 with leucine.
Molecular consequence: missense variant. On other transcripts: 5 prime UTR variant (1).
Genome position (GRCh38, 1-based): chr12:110,296,645, C>T. VCF-style: chr12-110296645-C-T. GRCh37 (hg19) VCF-style: chr12-110734450-C-T.
Other names: c.266C>T, p.Pro89Leu (NM_001413013.1); c.371C>T, p.Pro124Leu (NM_001413014.1, NM_001681.4); c.-5C>T (NM_001413015.1); short protein forms P89L, P124L.
Identifiers: ClinVar variation 2811831 (VCV002811831.3), dbSNP rs2548535369, ClinGen allele CA386915363.
Genomic context (GRCh38, chr12:110,296,645, plus strand): 5'-TTTCTTTTATACAGGAAAGAAATGCTGAAAATGCCATCGAAGCCCTTAAGGAATATGAGC[C>T]TGAAATGGGCAAAGTGTATCGACAGGACAGAAAGAGTGTGCAGCGGATTAAAGCTAAAGA-3'
Protein context (NP_733765.1, residues 114-134): NAIEALKEYE[Pro124Leu]EMGKVYRQDR

ClinVar aggregate classification (germline): Uncertain significance (1 of 4 stars; one submission).

Submission:

Labcorp Genetics (formerly Invitae), Labcorp
Classification: Uncertain significance. Last evaluated: 2022-11-03. Review status: criteria provided, single submitter. Criteria: Invitae Variant Classification Sherloc (09022015). Collection method: clinical testing. Allele origin: germline.
Comment: In summary, the available evidence is currently insufficient to determine the role of this variant in disease. Therefore, it has been classified as a Variant of Uncertain Significance. Algorithms developed to predict the effect of missense changes on protein structure and function (SIFT, PolyPhen-2, Align-GVGD) all suggest that this variant is likely to be disruptive. This variant has not been reported in the literature in individuals affected with ATP2A2-related conditions. This variant is not present in population databases (gnomAD no frequency). This sequence change replaces proline, which is neutral and non-polar, with leucine, which is neutral and non-polar, at codon 124 of the ATP2A2 protein (p.Pro124Leu).